The following is an entry in ClinVar:

ClinVar aggregate classification (germline): Conflicting classifications of pathogenicity. Review status: criteria provided, conflicting classifications (1 of 4 stars). 5 submissions from 5 submitters: Pathogenic (3); Likely pathogenic (1); Uncertain significance (1). Last evaluated 2026-01-08.

Conditions:
Mitochondrial complex II deficiency, nuclear type 1. Also called: SUCCINATE CoQ REDUCTASE DEFICIENCY. Identifiers: Orphanet 3208, MedGen C5700310, MONDO:0100294, OMIM 252011.
Pheochromocytoma/paraganglioma syndrome 5. Also called: Paragangliomas 5; SDHA-Related Hereditary Paraganglioma-Pheochromocytoma Syndrome. Identifiers: Orphanet 29072, MedGen C3279992, MONDO:0013602, OMIM 614165.
Hereditary cancer-predisposing syndrome. Also called: Neoplastic Syndromes, Hereditary; Hereditary Cancer Syndrome; Hereditary neoplastic syndrome; Tumor predisposition. Identifiers: Orphanet 140162, MedGen C0027672, MeSH D009386, MONDO:0015356.
Neurodegeneration with ataxia and late-onset optic atrophy. Identifiers: MedGen C5543254, MONDO:0031006, OMIM 619259.

Submissions (5):

Labcorp Genetics (formerly Invitae), Labcorp
Classification: Pathogenic for Pheochromocytoma/paraganglioma syndrome 5; Mitochondrial complex II deficiency, nuclear type 1. Last evaluated: 2026-01-08. Review status: criteria provided, single submitter. Criteria: Invitae Variant Classification Sherloc (09022015). Collection method: clinical testing. Allele origin: germline.
Comment: This sequence change creates a premature translational stop signal (p.Tyr263Thrfs*17) in the SDHA gene. It is expected to result in an absent or disrupted protein product. Loss-of-function variants in SDHA are known to be pathogenic (PMID: 22974104, 24781757). This variant is not present in population databases (gnomAD no frequency). This variant has not been reported in the literature in individuals affected with SDHA-related conditions. ClinVar contains an entry for this variant (Variation ID: 523979). For these reasons, this variant has been classified as Pathogenic.

GeneDx
Classification: Likely pathogenic. Last evaluated: 2025-12-05. Review status: criteria provided, single submitter. Criteria: GeneDx Variant Classification Process June 2021. Collection method: clinical testing. Allele origin: germline. Affected: yes.
Comment: Frameshift variant predicted to result in protein truncation or nonsense mediated decay in a gene for which loss of function is a known mechanism of disease; Not observed at significant frequency in large population cohorts (gnomAD); Has not been previously published as pathogenic or benign to our knowledge

Genetics and Genomic Medicine Centre, NeuroGen Healthcare, NeuroGen Healthcare
Classification: Uncertain significance for Neurodegeneration with ataxia and late-onset optic atrophy. Last evaluated: 2025-11-04. Review status: criteria provided, single submitter. Criteria: ACMG Guidelines, 2015. Collection method: clinical testing. Allele origin: unknown. Affected: yes.

Ambry Genetics
Classification: Pathogenic for Hereditary cancer-predisposing syndrome. Last evaluated: 2023-08-14. Review status: criteria provided, single submitter. Criteria: Ambry Variant Classification Scheme 2023. Collection method: clinical testing. Allele origin: germline.
Comment: The c.786delC pathogenic mutation, located in coding exon 7 of the SDHA gene, results from a deletion of one nucleotide at nucleotide position 786, causing a translational frameshift with a predicted alternate stop codon (p.Y263Tfs*17). This alteration is expected to result in loss of function by premature protein truncation or nonsense-mediated mRNA decay. As such, this alteration is interpreted as a disease-causing mutation.

Myriad Genetics, Inc.
Classification: Pathogenic for Pheochromocytoma/paraganglioma syndrome 5. Last evaluated: 2023-03-16. Review status: criteria provided, single submitter. Criteria: Myriad Autosomal Dominant, Autosomal Recessive and X-Linked Classification Criteria (2023). Collection method: clinical testing. Allele origin: unknown.
Comment: This variant is considered pathogenic. This variant creates a frameshift predicted to result in premature protein truncation.

Literature cited by the submitters: PubMed 22974104 (cited by Labcorp Genetics (formerly Invitae), Labcorp); PubMed 24781757 (cited by Labcorp Genetics (formerly Invitae), Labcorp).

NM_004168.4(SDHA):c.786del (p.Tyr263fs)

Gene: SDHA (succinate dehydrogenase complex flavoprotein subunit A; plus strand). Cytogenetic location: 5p15.33.
Variant type: Deletion.
Coding change: c.786del on transcript NM_004168.4 (MANE Select); coding-DNA position 786, one base deleted (C; older notation c.786delC).
Protein change: p.Tyr263fs; shifts the reading frame from tyrosine 263.
Molecular consequence: frameshift variant.
Genome position (GRCh38, 1-based): chr5:230,891, C deleted; the last of 2 consecutive C bases (chr5:230,890-230,891); deleting either gives the same sequence. VCF-style (leftmost placement, unchanged base first): chr5-230889-AC-A. GRCh37 (hg19) VCF-style: chr5-231004-AC-A.
Other names: c.642del, p.Tyr215fs (NM_001294332.2); c.786del, p.Tyr263fs (NM_001330758.2); c.786delC (NM_004168.2); short protein forms Y263fs, Y215fs.
Identifiers: ClinVar variation 523979 (VCV000523979.16), dbSNP rs1553998613, ClinGen allele CA658796487.